The following is an entry in ClinVar:

ClinVar aggregate classification (germline): Uncertain significance. Review status: criteria provided, multiple submitters, no conflicts (2 of 4 stars). 2 submissions from 2 submitters: Uncertain significance (2). Last evaluated 2025-10-07.

Allele frequency attached by ClinVar (database versions not stated): gnomAD exomes below 0.00001 and 0.00001; ExAC 0.00001; gnomAD 0.00001 and 0.00002; 1000 Genomes Project 30x 0.00016; 1000 Genomes Project 0.00020.
gnomAD v4.1: 10 of 1,614,052 alleles (0.00062%); highest among the groups gnomAD compares: Admixed American, 0.013%; no homozygotes.

Submissions (2):

Ambry Genetics
Classification: Uncertain significance. Last evaluated: 2025-10-07. Review status: criteria provided, single submitter. Criteria: Ambry Variant Classification Scheme 2023. Collection method: clinical testing. Allele origin: germline.

Labcorp Genetics (formerly Invitae), Labcorp
Classification: Uncertain significance. Last evaluated: 2022-06-14. Review status: criteria provided, single submitter. Criteria: Invitae Variant Classification Sherloc (09022015). Collection method: clinical testing. Allele origin: germline.
Comment: Algorithms developed to predict the effect of missense changes on protein structure and function are either unavailable or do not agree on the potential impact of this missense change (SIFT: "Deleterious"; PolyPhen-2: "Probably Damaging"; Align-GVGD: "Class C0"). This variant has not been reported in the literature in individuals affected with DSCAML1-related conditions. This variant is present in population databases (rs201753806, gnomAD 0.003%). This sequence change replaces isoleucine, which is neutral and non-polar, with asparagine, which is neutral and polar, at codon 804 of the DSCAML1 protein (p.Ile804Asn). In summary, the available evidence is currently insufficient to determine the role of this variant in disease. Therefore, it has been classified as a Variant of Uncertain Significance.

NM_020693.4(DSCAML1):c.2231T>A (p.Ile744Asn)

Gene: DSCAML1 (DS cell adhesion molecule like 1; minus strand). Cytogenetic location: 11q23.3.
Variant type: single nucleotide variant.
Coding change: c.2231T>A on transcript NM_020693.4 (MANE Select); coding-DNA position 2231, T replaced by A.
Protein change: p.Ile744Asn; replaces isoleucine 744 with asparagine.
Molecular consequence: missense variant.
Genome position (GRCh38, 1-based): chr11:117,503,973, A>T on the plus strand (T>A on the coding strand, the complement: DSCAML1 is on the minus strand). VCF-style: chr11-117503973-A-T. GRCh37 (hg19) VCF-style: chr11-117374688-A-T.
Other names: c.2411T>A (NM_020693.2); c.2231T>A, p.Ile744Asn (NM_001367904.1); short protein forms I744N.
Identifiers: ClinVar variation 1353059 (VCV001353059.7), dbSNP rs201753806, ClinGen allele CA6297066.